The following is an entry in ClinVar:

ClinVar aggregate classification (germline): Likely benign (1 of 4 stars; one submission).

Conditions:
SLC5A6-related disorder.

gnomAD v4.1: 270 of 1,605,884 alleles (0.017%); highest among the groups gnomAD compares: African/African-American, 0.31%; no homozygotes.

Submission:

PreventionGenetics, part of Exact Sciences
Classification: Likely benign for SLC5A6-related condition. Last evaluated: 2026-08-13. Review status: criteria provided, single submitter. Criteria: ACMG Guidelines, 2015. Collection method: clinical testing. Allele origin: germline.
Comment: This variant is classified as likely benign based on ACMG/AMP sequence variant interpretation guidelines (Richards et al. 2015 PMID: 25741868, with internal and published modifications).

NM_021095.4(SLC5A6):c.*8T>C

Gene: SLC5A6 (solute carrier family 5 member 6; minus strand). Cytogenetic location: 2p23.3.
Variant type: single nucleotide variant.
Coding change: c.*8T>C on transcript NM_021095.4 (MANE Select); 8 bases downstream of the stop codon, T replaced by C.
Molecular consequence: 3 prime UTR variant. On other transcripts: non-coding transcript variant (1).
Genome position (GRCh38, 1-based): chr2:27,200,428, A>G on the plus strand (T>C on the coding strand, the complement: SLC5A6 is on the minus strand). VCF-style: chr2-27200428-A-G. GRCh37 (hg19) VCF-style: chr2-27423296-A-G.
Identifiers: ClinVar variation 4982885 (VCV004982885.1).